The following is an entry in ClinVar:

NM_001365276.2(TNXB):c.5024C>G (p.Pro1675Arg)

Gene: TNXB (tenascin XB; minus strand). Cytogenetic location: 6p21.33.
Variant type: single nucleotide variant.
Coding change: c.5024C>G on transcript NM_001365276.2 (MANE Select); coding-DNA position 5024, C replaced by G.
Protein change: p.Pro1675Arg; replaces proline 1675 with arginine.
Molecular consequence: missense variant.
Genome position (GRCh38, 1-based): chr6:32,070,381, G>C on the plus strand (C>G on the coding strand, the complement: TNXB is on the minus strand). VCF-style: chr6-32070381-G-C. GRCh37 (hg19) VCF-style: chr6-32038158-G-C.
Other names: c.5765C>G, p.Pro1922Arg (NM_001428335.1); c.5024C>G, p.Pro1675Arg (NM_019105.8); short protein forms P1675R, P1922R.
Identifiers: ClinVar variation 3972049 (VCV003972049.2).

ClinVar aggregate classification (germline): Uncertain significance. Review status: criteria provided, multiple submitters, no conflicts (2 of 4 stars). 2 submissions from 2 submitters: Uncertain significance (2). Last evaluated 2026-05-07.

Conditions:
Cardiovascular phenotype. Identifiers: MedGen CN230736.

gnomAD v4.1: 5 of 1,598,696 alleles (0.00031%); highest among the groups gnomAD compares: Admixed American, 0.005%; no homozygotes.

Submissions (2):

Women's Health and Genetics/Laboratory Corporation of America, LabCorp
Classification: Uncertain significance. Last evaluated: 2026-05-07. Review status: criteria provided, single submitter. Criteria: LabCorp Variant Classification Summary - May 2015. Collection method: clinical testing. Allele origin: germline.
Comment: Variant summary: TNXB c.5024C>G (p.Pro1675Arg) results in a non-conservative amino acid change in the encoded protein sequence. Algorithms developed to predict the effect of missense changes on protein structure and function are either unavailable or do not agree on the potential impact of this missense change. The variant allele was found at a frequency of 8.2e-06 in 243256 control chromosomes. The available data on variant occurrences in the general population are insufficient to allow any conclusion about variant significance. To our knowledge, no occurrence of c.5024C>G in individuals affected with TNXB-related conditions and no experimental evidence demonstrating its impact on protein function have been reported. ClinVar contains an entry for this variant (Variation ID: 3972049). Based on the evidence outlined above, the variant was classified as uncertain significance.

Ambry Genetics
Classification: Uncertain significance for Cardiovascular phenotype. Last evaluated: 2025-06-01. Review status: criteria provided, single submitter. Criteria: Ambry Variant Classification Scheme 2023. Collection method: clinical testing. Allele origin: germline.
Comment: The p.P1675R variant (also known as c.5024C>G), located in coding exon 13 of the TNXB gene, results from a C to G substitution at nucleotide position 5024. The proline at codon 1675 is replaced by arginine, an amino acid with dissimilar properties. This amino acid position is conserved. In addition, this alteration is predicted to be tolerated by in silico analysis. Based on the available evidence, the clinical significance of this variant remains unclear.